The following is an entry in ClinVar:

ClinVar aggregate classification (germline): Pathogenic (3 of 4 stars; one submission).

Conditions:
Juvenile retinoschisis (RS1). Also called: X-Linked Juvenile Retinoschisis; X-linked retinoschisis. Identifiers: Orphanet 792, MedGen C3714753, MONDO:0010725, OMIM 312700.

Submission:

ClinGen X-linked Inherited Retinal Disease Variant Curation Expert Panel, ClinGen
Classification: Pathogenic for Juvenile retinoschisis. Last evaluated: 2026-09-26. Review status: reviewed by expert panel. Criteria: ClinGen X LinkedIRD ACMG Specifications RS1 V1.0.0. Collection method: curation. Allele origin: germline. Inheritance: X-linked inheritance.
Comment: NM_000330.4(RS1):c.489del (p.Trp163Ter) is a frameshift variant caused by a one-nucleotide deletion, which introduces a premature stop codon in exon 4 of 6 and is predicted not to trigger nonsense-mediated decay but to disrupt a critical C-terminal region required for the proper function of RS1 (PVS1, PMID: 19849666). This variant is absent from hemizygous individuals in gnomAD v4.1.0 (PM2_Supporting). At least one proband harboring this variant exhibits a phenotype that includes the appearance of schisis and reduced visual acuity before age 13 years, which together are specific for X-linked retinoschisis (PMID: 17615541 PP4). In summary, this variant is classified as pathogenic for X-linked retinoschisis based on the ClinGen X-linked Inherited Retinal Disease Expert Panel Specifications to the ACMG/AMP Variant Interpretation Guidelines for RS1 Version 1.0.0: PM2_Supporting, PVS1, and PP4.

NM_000330.4(RS1):c.489del (p.Asn162_Trp163insTer)

Genes: CDKL5 (cyclin dependent kinase like 5; plus strand), RS1 (retinoschisin 1; minus strand). Cytogenetic location: Xp22.13.
Variant type: Deletion.
Coding change: c.489del on transcript NM_000330.4 (MANE Select); coding-DNA position 489, one base deleted (G; older notation c.489delG).
Protein change: p.Asn162_Trp163insTer.
Molecular consequence: nonsense. On other transcripts: intron variant (2).
Genome position (GRCh38, 1-based): chrX:18,644,463, C deleted on the plus strand (G on the coding strand, the reverse complement: RS1 is on the minus strand); the first of 2 consecutive C bases (chrX:18,644,463-18,644,464); deleting either gives the same sequence. VCF-style (leftmost placement, unchanged base first): chrX-18644462-TC-T. GRCh37 (hg19) VCF-style: chrX-18662582-TC-T.
Other names: NM_003159.3:c.2714-1543del; c.2714-1543del (NM_003159.3, NM_001037343.2).
Identifiers: ClinVar variation 4976902 (VCV004976902.1).